The following is an entry in ClinVar:

ClinVar aggregate classification (germline): Uncertain significance. Review status: criteria provided, multiple submitters, no conflicts (2 of 4 stars). 2 submissions from 2 submitters: Uncertain significance (2). Last evaluated 2024-10-17.

Conditions:
Osteogenesis imperfecta type I (OI1). Also called: Lobstein's Disease; OSTEOGENESIS IMPERFECTA TARDA; OSTEOGENESIS IMPERFECTA WITH BLUE SCLERAE; Lobstein disease; Classic Non-deforming Osteogenesis Imperfecta with Blue Sclerae; Osteogenesis imperfecta type 1. Identifiers: Orphanet 216796, Orphanet 666, MedGen C0023931, MONDO:0008146, OMIM 166200. Disease mechanism: loss of function.
Ehlers-Danlos syndrome, classic type, 1 (EDSCL1). Also called: EDS I; Ehlers-Danlos Syndrome, Classic Type, COL5A1-Related; Ehlers-Danlos syndrome, type 1; EHLERS-DANLOS SYNDROME, GRAVIS TYPE; EHLERS-DANLOS SYNDROME, SEVERE CLASSIC TYPE. Identifiers: MedGen C0268335, MONDO:0019567, OMIM 130000.

gnomAD v4.1: 112 of 1,612,668 alleles (0.0069%); no homozygotes.

Submissions (2):

Labcorp Genetics (formerly Invitae), Labcorp
Classification: Uncertain significance for Osteogenesis imperfecta type I; Ehlers-Danlos syndrome, classic type, 1. Last evaluated: 2024-10-17. Review status: criteria provided, single submitter. Criteria: Invitae Variant Classification Sherloc (09022015). Collection method: clinical testing. Allele origin: germline.
Comment: This sequence change replaces glycine, which is neutral and non-polar, with serine, which is neutral and polar, at codon 57 of the COL1A2 protein (p.Gly57Ser). This variant is present in population databases (rs201137000, gnomAD 0.2%). This variant has not been reported in the literature in individuals affected with COL1A2-related conditions. Invitae Evidence Modeling of protein sequence and biophysical properties (such as structural, functional, and spatial information, amino acid conservation, physicochemical variation, residue mobility, and thermodynamic stability) indicates that this missense variant is expected to disrupt COL1A2 protein function with a positive predictive value of 95%. In summary, the available evidence is currently insufficient to determine the role of this variant in disease. Therefore, it has been classified as a Variant of Uncertain Significance.

Blueprint Genetics
Classification: Uncertain significance. Last evaluated: 2023-10-30. Review status: criteria provided, single submitter. Criteria: ACMG Guidelines, 2015. Collection method: clinical testing. Allele origin: germline.

NM_000089.4(COL1A2):c.169G>A (p.Gly57Ser)

Gene: COL1A2 (collagen type I alpha 2 chain; plus strand). Cytogenetic location: 7q21.3.
Variant type: single nucleotide variant.
Coding change: c.169G>A on transcript NM_000089.4 (MANE Select); coding-DNA position 169, G replaced by A.
Protein change: p.Gly57Ser; replaces glycine 57 with serine.
Molecular consequence: missense variant.
Genome position (GRCh38, 1-based): chr7:94,400,232, G>A. VCF-style: chr7-94400232-G-A. GRCh37 (hg19) VCF-style: chr7-94029544-G-A.
Other names: short protein forms G57S.
Identifiers: ClinVar variation 3761339 (VCV003761339.3).